The following is an entry in ClinVar:

NM_001165963.4(SCN1A):c.4016C>T (p.Ala1339Val)

Genes: SCN1A (sodium voltage-gated channel alpha subunit 1; minus strand), LOC102724058 (uncharacterized LOC102724058; plus strand). Cytogenetic location: 2q24.3.
Variant type: single nucleotide variant.
Coding change: c.4016C>T on transcript NM_001165963.4 (MANE Select); coding-DNA position 4016, C replaced by T.
Protein change: p.Ala1339Val; replaces alanine 1339 with valine.
Molecular consequence: missense variant. On other transcripts: non-coding transcript variant (1).
Genome position (GRCh38, 1-based): chr2:166,002,740, G>A on the plus strand (C>T on the coding strand, the complement: SCN1A is on the minus strand). VCF-style: chr2-166002740-G-A. GRCh37 (hg19) VCF-style: chr2-166859250-G-A.
Other names: c.3932C>T, p.Ala1311Val (NM_001165964.3, NM_001353957.2, NM_001353958.2); c.4016C>T, p.Ala1339Val (NM_001202435.3, NM_001353948.2); c.3983C>T, p.Ala1328Val (NM_001353949.2, NM_001353950.2, NM_001353951.2 and 2 more transcripts); c.3980C>T, p.Ala1327Val (NM_001353954.2, NM_001353955.2); c.3929C>T, p.Ala1310Val (NM_001353960.2); c.1574C>T, p.Ala525Val (NM_001353961.2); short protein forms A1328V, A1339V, A1310V, A1311V, A1327V, A525V.
Identifiers: ClinVar variation 189952 (VCV000189952.1), dbSNP rs794726789, ClinGen allele CA303389.

ClinVar aggregate classification (germline): Pathogenic (1 of 4 stars; one submission).

Conditions:
Severe myoclonic epilepsy in infancy (DRVT). Also called: Epileptic encephalopathy, early infantile, 6 (Dravet syndrome); SEVERE MYOCLONIC EPILEPSY OF INFANCY; DEVELOPMENTAL AND EPILEPTIC ENCEPHALOPATHY 6A; Severe Myoclonic Epilepsy in Infancy (SMEI); Dravet syndrome. Identifiers: Orphanet 33069, MedGen C0751122, MONDO:0100135, OMIM 607208.

Submission:

Center for Bioinformatics, Peking University
Classification: Pathogenic for Dravet syndrome. Last evaluated: 2014-12-20. Review status: criteria provided, single submitter. Criteria: Xu et al. (Hum Mutat. 2015). Collection method: research. Allele origin: de novo. Affected: yes. Observed: 1 variant allele. Study: University Clinical Cooperation “985 Project” PKU-2014-1-1.
Comment: Dravet syndrome (DS) probands were recruited from the outpatient and inpatient child neurology units of Peking University First Hospital from 2005 till present. The study was approved by the Ethics Committee of Peking University First Hospital and the Institutional Review Board at Peking University. Participants or their parents provided written informed consent before enrollment. We collected a total of 267 mutations from 255 families with probands diagnosed with DS in China. All probands fulfilled the clinical diagnostic criteria.